The following is an entry in ClinVar:

NM_015512.5(DNAH1):c.5845G>A (p.Gly1949Arg)

Gene: DNAH1 (dynein axonemal heavy chain 1; plus strand). Cytogenetic location: 3p21.1.
Variant type: single nucleotide variant.
Coding change: c.5845G>A on transcript NM_015512.5 (MANE Select); coding-DNA position 5845, G replaced by A.
Protein change: p.Gly1949Arg; replaces glycine 1949 with arginine.
Molecular consequence: missense variant.
Genome position (GRCh38, 1-based): chr3:52,368,820, G>A. VCF-style: chr3-52368820-G-A. GRCh37 (hg19) VCF-style: chr3-52402836-G-A.
Other names: short protein forms G1949R.
Identifiers: ClinVar variation 1917013 (VCV001917013.5), dbSNP rs1287185405, ClinGen allele CA353152240.

ClinVar aggregate classification (germline): Uncertain significance (1 of 4 stars; one submission).

Conditions:
Spermatogenic failure 18. Identifiers: MedGen C4539783, MONDO:0054615, OMIM 617576.
Ciliary dyskinesia, primary, 37 (CILD37). Also called: CILIARY DYSKINESIA, PRIMARY, 37, WITH OR WITHOUT SITUS INVERSUS. Identifiers: MedGen C4539798, MONDO:0033204, OMIM 617577.

Allele frequency attached by ClinVar (database versions not stated): gnomAD 0.00001; gnomAD exomes 0.00001; TOPMed 0.00002.
gnomAD v4.1: 14 of 1,613,900 alleles (0.00087%); highest among the groups gnomAD compares: Non-Finnish European, 0.0012%; no homozygotes.

Submission:

Labcorp Genetics (formerly Invitae), Labcorp
Classification: Uncertain significance for Ciliary dyskinesia, primary, 37; Spermatogenic failure 18. Last evaluated: 2023-08-17. Review status: criteria provided, single submitter. Criteria: Invitae Variant Classification Sherloc (09022015). Collection method: clinical testing. Allele origin: germline.
Comment: This sequence change replaces glycine, which is neutral and non-polar, with arginine, which is basic and polar, at codon 1949 of the DNAH1 protein (p.Gly1949Arg). This variant is not present in population databases (gnomAD no frequency). This variant has not been reported in the literature in individuals affected with DNAH1-related conditions. ClinVar contains an entry for this variant (Variation ID: 1917013). In summary, the available evidence is currently insufficient to determine the role of this variant in disease. Therefore, it has been classified as a Variant of Uncertain Significance. Algorithms developed to predict the effect of sequence changes on RNA splicing suggest that this variant may create or strengthen a splice site. Advanced modeling of protein sequence and biophysical properties (such as structural, functional, and spatial information, amino acid conservation, physicochemical variation, residue mobility, and thermodynamic stability) performed at Invitae indicates that this missense variant is expected to disrupt DNAH1 protein function.